The following is an entry in ClinVar:

ClinVar aggregate classification (germline): Uncertain significance (1 of 4 stars; one submission).

Allele frequency attached by ClinVar (database versions not stated): gnomAD exomes 0.00001; gnomAD 0.00001; TOPMed 0.00001.
gnomAD v4.1: 16 of 1,613,624 alleles (0.00099%); highest among the groups gnomAD compares: South Asian, 0.0066%; no homozygotes.

Submission:

Labcorp Genetics (formerly Invitae), Labcorp
Classification: Uncertain significance. Last evaluated: 2022-06-16. Review status: criteria provided, single submitter. Criteria: Invitae Variant Classification Sherloc (09022015). Collection method: clinical testing. Allele origin: germline.
Comment: In summary, the available evidence is currently insufficient to determine the role of this variant in disease. Therefore, it has been classified as a Variant of Uncertain Significance. Experimental studies and prediction algorithms are not available or were not evaluated, and the effect of this variant on mRNA splicing is currently unknown. This variant has not been reported in the literature in individuals affected with HYOU1-related conditions. This variant is present in population databases (rs376041557, gnomAD 0.01%). This sequence change affects codon 323 of the HYOU1 mRNA. It is a 'silent' change, meaning that it does not change the encoded amino acid sequence of the HYOU1 protein.

NM_006389.5(HYOU1):c.969C>T (p.Asn323=)

Gene: HYOU1 (hypoxia up-regulated 1; minus strand). Cytogenetic location: 11q23.3.
Variant type: single nucleotide variant.
Coding change: c.969C>T on transcript NM_006389.5 (MANE Select); coding-DNA position 969, C replaced by T.
Protein change: p.Asn323=; no amino-acid change (asparagine 323 retained).
Molecular consequence: synonymous variant.
Genome position (GRCh38, 1-based): chr11:119,052,655, G>A on the plus strand (C>T on the coding strand, the complement: HYOU1 is on the minus strand). VCF-style: chr11-119052655-G-A. GRCh37 (hg19) VCF-style: chr11-118923367-G-A.
Other names: c.969C>T, p.Asn323= (NM_001130991.3, NM_001411041.1).
Identifiers: ClinVar variation 2072143 (VCV002072143.4), dbSNP rs376041557, ClinGen allele CA229623549.